The following is an entry in ClinVar:

NM_006904.7(PRKDC):c.9227C>T (p.Ala3076Val)

Gene: PRKDC (protein kinase, DNA-activated, catalytic subunit; minus strand). Cytogenetic location: 8q11.21.
Variant type: single nucleotide variant.
Coding change: c.9227C>T on transcript NM_006904.7 (MANE Select); coding-DNA position 9227, C replaced by T.
Protein change: p.Ala3076Val; replaces alanine 3076 with valine.
Molecular consequence: missense variant.
Genome position (GRCh38, 1-based): chr8:47,820,828, G>A on the plus strand (C>T on the coding strand, the complement: PRKDC is on the minus strand). VCF-style: chr8-47820828-G-A. GRCh37 (hg19) VCF-style: chr8-48733389-G-A.
Other names: c.9227C>T, p.Ala3076Val (NM_001081640.2); short protein forms A3076V.
Identifiers: ClinVar variation 1013979 (VCV001013979.2), dbSNP rs370147042, ClinGen allele CA4739638.

ClinVar aggregate classification (germline): Uncertain significance (1 of 4 stars; one submission).

Conditions:
Severe combined immunodeficiency due to DNA-PKcs deficiency. Also called: IMMUNODEFICIENCY 26 WITH NEUROLOGIC ABNORMALITIES; Immunodeficiency 26 with or without neurologic abnormalities. Identifiers: Orphanet 317425, MedGen C4014833, MONDO:0014423, OMIM 615966.

Allele frequency attached by ClinVar (database versions not stated): gnomAD exomes 0.00001 and 0.00002; TOPMed 0.00001; ExAC 0.00003; ESP Exome Variant Server 0.00008.
gnomAD v4.1: 18 of 1,613,210 alleles (0.0011%); highest among the groups gnomAD compares: East Asian, 0.0022%; no homozygotes.

Submission:

Labcorp Genetics (formerly Invitae), Labcorp
Classification: Uncertain significance for Severe combined immunodeficiency due to DNA-PKcs deficiency. Last evaluated: 2022-07-12. Review status: criteria provided, single submitter. Criteria: Invitae Variant Classification Sherloc (09022015). Collection method: clinical testing. Allele origin: germline.
Comment: This sequence change replaces alanine, which is neutral and non-polar, with valine, which is neutral and non-polar, at codon 3076 of the PRKDC protein (p.Ala3076Val). This variant is present in population databases (rs370147042, gnomAD 0.004%). This variant has not been reported in the literature in individuals affected with PRKDC-related conditions. ClinVar contains an entry for this variant (Variation ID: 1013979). Experimental studies and prediction algorithms are not available or were not evaluated, and the functional significance of this variant is currently unknown. In summary, the available evidence is currently insufficient to determine the role of this variant in disease. Therefore, it has been classified as a Variant of Uncertain Significance.